The following is an entry in ClinVar:

NM_002734.5(PRKAR1A):c.134G>A (p.Arg45Lys)

Gene: PRKAR1A (protein kinase cAMP-dependent type I regulatory subunit alpha; plus strand). Cytogenetic location: 17q24.2.
Variant type: single nucleotide variant.
Coding change: c.134G>A on transcript NM_002734.5 (MANE Select); coding-DNA position 134, G replaced by A.
Protein change: p.Arg45Lys; replaces arginine 45 with lysine.
Molecular consequence: missense variant.
Genome position (GRCh38, 1-based): chr17:68,515,533, G>A. VCF-style: chr17-68515533-G-A. GRCh37 (hg19) VCF-style: chr17-66511674-G-A.
Other names: c.134G>A, p.Arg45Lys (NM_001276289.2, NM_001276290.1, NM_001278433.2 and 4 more transcripts); short protein forms R45K.
Identifiers: ClinVar variation 1770569 (VCV001770569.9), dbSNP rs2143152864, ClinGen allele CA400752035.

ClinVar aggregate classification (germline): Uncertain significance. Review status: criteria provided, multiple submitters, no conflicts (2 of 4 stars). 2 submissions from 2 submitters: Uncertain significance (2). Last evaluated 2024-08-05.

Conditions:
Hereditary cancer-predisposing syndrome. Also called: Hereditary Cancer Syndrome; Hereditary neoplastic syndrome; Neoplastic Syndromes, Hereditary; Tumor predisposition. Identifiers: Orphanet 140162, MedGen C0027672, MeSH D009386, MONDO:0015356.
Carney complex, type 1 (CNC1). Also called: CARNEY MYXOMA-ENDOCRINE COMPLEX; CARNEY COMPLEX, TYPE I. Identifiers: Orphanet 1359, MedGen C2607929, MONDO:0008057, OMIM 160980.

Submissions (2):

Ambry Genetics
Classification: Uncertain significance for Hereditary cancer-predisposing syndrome. Last evaluated: 2024-08-05. Review status: criteria provided, single submitter. Criteria: Ambry Variant Classification Scheme 2023. Collection method: clinical testing. Allele origin: germline.
Comment: The p.R45K variant (also known as c.134G>A), located in coding exon 1 of the PRKAR1A gene, results from a G to A substitution at nucleotide position 134. The arginine at codon 45 is replaced by lysine, an amino acid with highly similar properties. This amino acid position is highly conserved in available vertebrate species. In addition, the in silico prediction for this alteration is inconclusive. Based on the available evidence, the clinical significance of this variant remains unclear.

Labcorp Genetics (formerly Invitae), Labcorp
Classification: Uncertain significance for Carney complex, type 1. Last evaluated: 2022-05-21. Review status: criteria provided, single submitter. Criteria: Invitae Variant Classification Sherloc (09022015). Collection method: clinical testing. Allele origin: germline.
Comment: In summary, the available evidence is currently insufficient to determine the role of this variant in disease. Therefore, it has been classified as a Variant of Uncertain Significance. Algorithms developed to predict the effect of missense changes on protein structure and function (SIFT, PolyPhen-2, Align-GVGD) all suggest that this variant is likely to be tolerated. This variant has not been reported in the literature in individuals affected with PRKAR1A-related conditions. This variant is not present in population databases (gnomAD no frequency). This sequence change replaces arginine, which is basic and polar, with lysine, which is basic and polar, at codon 45 of the PRKAR1A protein (p.Arg45Lys).